The following is an entry in ClinVar:

NM_006516.4(SLC2A1):c.835C>T (p.Gln279Ter)

Gene: SLC2A1 (solute carrier family 2 member 1; minus strand). Cytogenetic location: 1p34.2.
Variant type: single nucleotide variant.
Coding change: c.835C>T on transcript NM_006516.4 (MANE Select); coding-DNA position 835, C replaced by T.
Protein change: p.Gln279Ter; replaces glutamine 279 with a stop codon.
Molecular consequence: nonsense.
Genome position (GRCh38, 1-based): chr1:42,929,625, G>A on the plus strand (C>T on the coding strand, the complement: SLC2A1 is on the minus strand). VCF-style: chr1-42929625-G-A. GRCh37 (hg19) VCF-style: chr1-43395296-G-A.
Other names: short protein forms Q279*.
Identifiers: ClinVar variation 471349 (VCV000471349.10), dbSNP rs1553156051, ClinGen allele CA339957303.
Genomic context (GRCh38, chr1:42,929,625, plus strand): 5'-CACAGGAAGGGTGGGTGGGGGCACTCACAGCGTTGATGCCAGACAGCTGCTGGGACAGCT[G>A]CAGCACCACAGCGATGAGGATGGGCTGGCGGTAGGCGGGGGAGCGGAACAGCTCCAGGAT-3'

ClinVar aggregate classification (germline): Pathogenic. Review status: criteria provided, multiple submitters, no conflicts (2 of 4 stars). 3 submissions from 3 submitters: Pathogenic (3). Last evaluated 2023-04-11.

Conditions:
Encephalopathy due to GLUT1 deficiency. Also called: GLUT1 deficiency syndrome 1, infantile onset, severe; Glucose transporter protein syndrome; GLUCOSE TRANSPORT DEFECT, BLOOD-BRAIN BARRIER; De Vivo disease; GLUT1 deficiency syndrome 1; Classic Glucose Transporter Type 1 Deficiency Syndrome. Identifiers: Orphanet 71277, MedGen C4551966, MONDO:0011724, OMIM 606777.
GLUT1 deficiency syndrome 1, autosomal recessive. Identifiers: MedGen C3149117.

Submissions (3):

Genome-Nilou Lab
Classification: Pathogenic for Encephalopathy due to GLUT1 deficiency. Last evaluated: 2023-04-11. Review status: criteria provided, single submitter. Criteria: ACMG Guidelines, 2015. Collection method: clinical testing. Allele origin: germline. Affected: no.

GeneDx
Classification: Pathogenic. Last evaluated: 2022-09-19. Review status: criteria provided, single submitter. Criteria: GeneDx Variant Classification Process June 2021. Collection method: clinical testing. Allele origin: germline. Affected: yes.
Comment: Nonsense variant predicted to result in protein truncation or nonsense mediated decay in a gene for which loss of function is a known mechanism of disease; Not observed at significant frequency in large population cohorts (gnomAD); This variant is associated with the following publications: (PMID: 25487684, 26193382)

Labcorp Genetics (formerly Invitae), Labcorp
Classification: Pathogenic for GLUT1 deficiency syndrome 1, autosomal recessive. Last evaluated: 2022-06-13. Review status: criteria provided, single submitter. Criteria: Invitae Variant Classification Sherloc (09022015). Collection method: clinical testing. Allele origin: germline.
Comment: For these reasons, this variant has been classified as Pathogenic. ClinVar contains an entry for this variant (Variation ID: 471349). This premature translational stop signal has been observed in individual(s) with glucose transporter-1 deficiency syndrome (PMID: 25487684, 26193382). This variant is not present in population databases (gnomAD no frequency). This sequence change creates a premature translational stop signal (p.Gln279*) in the SLC2A1 gene. It is expected to result in an absent or disrupted protein product. Loss-of-function variants in SLC2A1 are known to be pathogenic (PMID: 21832227, 26193382).

Literature cited by the submitters: PubMed 25487684 (cited by Labcorp Genetics (formerly Invitae), Labcorp); PubMed 26193382 (cited by Labcorp Genetics (formerly Invitae), Labcorp); PubMed 21832227 (cited by Labcorp Genetics (formerly Invitae), Labcorp).